The following is an entry in ClinVar:

NM_000572.3(IL10):c.424G>C (p.Val142Leu)

Gene: IL10 (interleukin 10; minus strand). Cytogenetic location: 1q32.1.
Variant type: single nucleotide variant.
Coding change: c.424G>C on transcript NM_000572.3 (MANE Select); coding-DNA position 424, G replaced by C.
Protein change: p.Val142Leu; replaces valine 142 with leucine.
Molecular consequence: missense variant. On other transcripts: non-coding transcript variant (2).
Genome position (GRCh38, 1-based): chr1:206,769,849, C>G on the plus strand (G>C on the coding strand, the complement: IL10 is on the minus strand). VCF-style: chr1-206769849-C-G. GRCh37 (hg19) VCF-style: chr1-206943194-C-G.
Other names: c.169G>C, p.Val57Leu (NM_001382624.1); short protein forms V142L, V57L.
Identifiers: ClinVar variation 1715483 (VCV001715483.5), dbSNP rs1674768626, ClinGen allele CA344481801.
Genomic context (GRCh38, chr1:206,769,849, plus strand): 5'-TTGTGCTCTGCAGACCCTCTCTGCCACCATCCAAGCTCACCTTATTAAAGGCATTCTTCA[C>G]CTGCTCCACGGCCTTGCTCTTGTTTTCACAGGGAAGAAATCGATGCTGTGGAAGAAAAGA-3'
Protein context (NP_000563.1, residues 132-152): CENKSKAVEQ[Val142Leu]KNAFNKLQEK

ClinVar aggregate classification (germline): Uncertain significance (1 of 4 stars; one submission).

Conditions:
Inflammatory bowel disease. Identifiers: Orphanet 104012, MedGen C0021390, MONDO:0005265.

Submission:

Labcorp Genetics (formerly Invitae), Labcorp
Classification: Uncertain significance for Inflammatory bowel disease. Last evaluated: 2024-10-28. Review status: criteria provided, single submitter. Criteria: Invitae Variant Classification Sherloc (09022015). Collection method: clinical testing. Allele origin: germline.
Comment: This sequence change replaces valine, which is neutral and non-polar, with leucine, which is neutral and non-polar, at codon 142 of the IL10 protein (p.Val142Leu). This variant is not present in population databases (gnomAD no frequency). This variant has not been reported in the literature in individuals affected with IL10-related conditions. ClinVar contains an entry for this variant (Variation ID: 1715483). An algorithm developed to predict the effect of missense changes on protein structure and function (PolyPhen-2) suggests that this variant is likely to be tolerated. In summary, the available evidence is currently insufficient to determine the role of this variant in disease. Therefore, it has been classified as a Variant of Uncertain Significance.